The following is an entry in ClinVar:

NM_004973.4(JARID2):c.1711C>G (p.Leu571Val)

Gene: JARID2 (jumonji and AT-rich interaction domain containing 2; plus strand). Cytogenetic location: 6p22.3.
Variant type: single nucleotide variant.
Coding change: c.1711C>G on transcript NM_004973.4 (MANE Select); coding-DNA position 1711, C replaced by G.
Protein change: p.Leu571Val; replaces leucine 571 with valine.
Molecular consequence: missense variant.
Genome position (GRCh38, 1-based): chr6:15,496,936, C>G. VCF-style: chr6-15496936-C-G. GRCh37 (hg19) VCF-style: chr6-15497167-C-G.
Other names: c.1195C>G, p.Leu399Val (NM_001267040.1); short protein forms L399V, L571V.
Identifiers: ClinVar variation 3365948 (VCV003365948.2).

ClinVar aggregate classification (germline): Uncertain significance (1 of 4 stars; one submission).

Submission:

GeneDx
Classification: Uncertain significance. Last evaluated: 2026-04-02. Review status: criteria provided, single submitter. Criteria: GeneDx Variant Classification Process June 2021. Collection method: clinical testing. Allele origin: germline.
Comment: Not observed at significant frequency in large population cohorts (gnomAD); In silico analysis suggests that this missense variant does not alter protein structure/function; Has not been previously published as pathogenic or benign to our knowledge